The following is an entry in ClinVar:

ClinVar aggregate classification (germline): Uncertain significance (1 of 4 stars; one submission).

gnomAD v4.1: 5 of 1,613,758 alleles (0.00031%); highest among the groups gnomAD compares: South Asian, 0.0022%; no homozygotes.

Submission:

Labcorp Genetics (formerly Invitae), Labcorp
Classification: Uncertain significance. Last evaluated: 2024-11-09. Review status: criteria provided, single submitter. Criteria: Invitae Variant Classification Sherloc (09022015). Collection method: clinical testing. Allele origin: germline.
Comment: This sequence change replaces arginine, which is basic and polar, with tryptophan, which is neutral and slightly polar, at codon 322 of the BRD4 protein (p.Arg322Trp). This variant is present in population databases (rs747608142, gnomAD 0.004%). This variant has not been reported in the literature in individuals affected with BRD4-related conditions. Invitae Evidence Modeling of protein sequence and biophysical properties (such as structural, functional, and spatial information, amino acid conservation, physicochemical variation, residue mobility, and thermodynamic stability) has been performed for this missense variant. However, the output from this modeling did not meet the statistical confidence thresholds required to predict the impact of this variant on BRD4 protein function. In summary, the available evidence is currently insufficient to determine the role of this variant in disease. Therefore, it has been classified as a Variant of Uncertain Significance.

NM_001379291.1(BRD4):c.964C>T (p.Arg322Trp)

Gene: BRD4 (bromodomain containing 4; minus strand). Cytogenetic location: 19p13.12.
Variant type: single nucleotide variant.
Coding change: c.964C>T on transcript NM_001379291.1 (MANE Select); coding-DNA position 964, C replaced by T.
Protein change: p.Arg322Trp; replaces arginine 322 with tryptophan.
Molecular consequence: missense variant.
Genome position (GRCh38, 1-based): chr19:15,264,652, G>A on the plus strand (C>T on the coding strand, the complement: BRD4 is on the minus strand). VCF-style: chr19-15264652-G-A. GRCh37 (hg19) VCF-style: chr19-15375463-G-A.
Other names: c.964C>T, p.Arg322Trp (NM_001330384.2, NM_001379292.1, NM_014299.3 and 1 more transcripts); short protein forms R322W.
Identifiers: ClinVar variation 3681942 (VCV003681942.2).